The following is an entry in ClinVar:

NM_002474.3(MYH11):c.2380C>T (p.Gln794Ter)

Gene: MYH11 (myosin heavy chain 11; minus strand). Cytogenetic location: 16p13.11.
Variant type: single nucleotide variant.
Coding change: c.2380C>T on transcript NM_002474.3 (MANE Select); coding-DNA position 2380, C replaced by T.
Protein change: p.Gln794Ter; replaces glutamine 794 with a stop codon.
Molecular consequence: nonsense.
Genome position (GRCh38, 1-based): chr16:15,747,601, G>A on the plus strand (C>T on the coding strand, the complement: MYH11 is on the minus strand). VCF-style: chr16-15747601-G-A. GRCh37 (hg19) VCF-style: chr16-15841458-G-A.
Other names: c.2401C>T, p.Gln801Ter (NM_001040113.2, NM_001040114.2); c.2380C>T, p.Gln794Ter (NM_022844.3); short protein forms Q794*, Q801*.
Identifiers: ClinVar variation 1334497 (VCV001334497.4), dbSNP rs2151259960, ClinGen allele CA394867185.
Genomic context (GRCh38, chr16:15,747,601, plus strand): 5'-GGTATTAGGATGCAGGAAAGCATCTTTACTTTCTGGCCAAGTAGCCACGACACATCGCCT[G>A]GAAGGCCATGATGACATCGGTGATCTTCAAATCTCGCTCCTCCTCTAGGTGGGCCAGGAC-3'

ClinVar aggregate classification (germline): Likely pathogenic (1 of 4 stars; one submission).

Conditions:
Aortic aneurysm, familial thoracic 4 (AAT4). Also called: AORTIC ANEURYSM/AORTIC DISSECTION AND PATENT DUCTUS ARTERIOSUS. Identifiers: MedGen C1851504, MONDO:0007568, OMIM 132900.

Submission:

Greenwood Genetic Center Diagnostic Laboratories, Greenwood Genetic Center
Classification: Likely pathogenic for Aortic aneurysm, familial thoracic 4. Last evaluated: 2021-04-06. Review status: criteria provided, single submitter. Criteria: ACMG Guidelines, 2015. Collection method: clinical testing. Allele origin: germline.
Comment: PVS1, PM2